The following is an entry in ClinVar:

NM_000535.7(PMS2):c.804-15A>G

Gene: PMS2 (PMS1 homolog 2, mismatch repair system component; minus strand). Cytogenetic location: 7p22.1.
Variant type: single nucleotide variant.
Coding change: c.804-15A>G on transcript NM_000535.7 (MANE Select); 15 bases into the intron before coding-DNA position 804, A replaced by G.
Molecular consequence: intron variant.
Genome position (GRCh38, 1-based): chr7:5,995,648, T>C on the plus strand (A>G on the coding strand, the complement: PMS2 is on the minus strand). VCF-style: chr7-5995648-T-C. GRCh37 (hg19) VCF-style: chr7-6035279-T-C.
Other names: c.486-15A>G (NM_001322008.2, NM_001322007.2); c.399-15A>G (NM_001322010.2, NM_001322004.2, NM_001322003.2 and 2 more transcripts); c.231-15A>G (NM_001322013.2); c.-130-15A>G (NM_001322012.2, NM_001322011.2); c.495-15A>G (NM_001322015.2); c.804-15A>G (NM_001322006.2, NM_001322014.2).
Identifiers: ClinVar variation 492300 (VCV000492300.18), dbSNP rs1448706115, ClinGen allele CA572547855.

ClinVar aggregate classification (germline): Benign/Likely benign. Review status: criteria provided, multiple submitters, no conflicts (2 of 4 stars). 6 submissions from 6 submitters: Benign (1); Likely benign (5). Last evaluated 2025-10-13.

Conditions:
Hereditary cancer-predisposing syndrome. Also called: Hereditary neoplastic syndrome; Tumor predisposition; Hereditary Cancer Syndrome; Neoplastic Syndromes, Hereditary. Identifiers: Orphanet 140162, MedGen C0027672, MeSH D009386, MONDO:0015356.
Lynch syndrome. Identifiers: Orphanet 144, MedGen C4552100, MONDO:0005835. Disease mechanism: loss of function.
Lynch syndrome 4 (LYNCH4). Also called: Colorectal cancer, hereditary nonpolyposis, type 4; Hereditary non-polyposis colorectal cancer, type 4. Identifiers: Orphanet 144, MedGen C1838333, MONDO:0013699, OMIM 614337. Disease mechanism: loss of function.
Hereditary nonpolyposis colorectal neoplasms. Identifiers: MedGen C0009405, MeSH D003123.

Allele frequency attached by ClinVar (database versions not stated): gnomAD 0.00001; gnomAD exomes 0.00002; TOPMed 0.00002.
gnomAD v4.1: 22 of 1,540,946 alleles (0.0014%); highest among the groups gnomAD compares: Non-Finnish European, 0.0019%; no homozygotes.

Submissions (6):

Labcorp Genetics (formerly Invitae), Labcorp
Classification: Likely benign for Hereditary nonpolyposis colorectal neoplasms. Last evaluated: 2025-10-13. Review status: criteria provided, single submitter. Criteria: Invitae Variant Classification Sherloc (09022015). Collection method: clinical testing. Allele origin: germline.

Myriad Genetics, Inc.
Classification: Likely benign for Lynch syndrome 4. Last evaluated: 2025-01-28. Review status: criteria provided, single submitter. Criteria: Myriad Autosomal Dominant, Autosomal Recessive and X-Linked Classification Criteria (2023). Collection method: clinical testing. Allele origin: unknown.
Comment: This variant is considered likely benign. This variant is intronic and is not expected to impact mRNA splicing.

Women's Health and Genetics/Laboratory Corporation of America, LabCorp
Classification: Likely benign. Last evaluated: 2024-12-12. Review status: criteria provided, single submitter. Criteria: LabCorp Variant Classification Summary - May 2015. Collection method: clinical testing. Allele origin: germline.

All of Us Research Program, National Institutes of Health
Classification: Likely benign for Lynch syndrome. Last evaluated: 2024-02-22. Review status: criteria provided, single submitter. Criteria: ACMG Guidelines, 2015. Collection method: clinical testing. Allele origin: germline. Inheritance: Autosomal dominant inheritance. Observed: 3 variant alleles, 3 heterozygotes.
Comment: This study involves interpretation of variants in research participants for the purpose of population health screening. Participant phenotype was not available at the time of variant classification. Additional details can be found in publication PMID: 35346344, PMCID: PMC8962531

Color Diagnostics, LLC DBA Color Health
Classification: Likely benign for Hereditary cancer-predisposing syndrome. Last evaluated: 2015-06-08. Review status: criteria provided, single submitter. Criteria: ACMG Guidelines, 2015. Collection method: clinical testing. Allele origin: germline.

GeneDx
Classification: Benign. Last evaluated: 2015-03-03. Review status: criteria provided, single submitter. Criteria: GeneDx Variant Classification Process June 2021. Collection method: clinical testing. Allele origin: germline. Affected: yes.